The following is an entry in ClinVar:

NM_001142800.2(EYS):c.91G>A (p.Glu31Lys)

Gene: EYS (EGF-like photoreceptor maintenance factor; minus strand). Cytogenetic location: 6q12.
Variant type: single nucleotide variant.
Coding change: c.91G>A on transcript NM_001142800.2 (MANE Select); coding-DNA position 91, G replaced by A.
Protein change: p.Glu31Lys; replaces glutamic acid 31 with lysine.
Molecular consequence: missense variant.
Genome position (GRCh38, 1-based): chr6:65,495,320, C>T on the plus strand (G>A on the coding strand, the complement: EYS is on the minus strand). VCF-style: chr6-65495320-C-T. GRCh37 (hg19) VCF-style: chr6-66205213-C-T.
Other names: c.91G>A, p.Glu31Lys (NM_001142801.2, NM_001292009.2, NM_198283.2); short protein forms E31K.
Identifiers: ClinVar variation 357750 (VCV000357750.20), dbSNP rs572189652, ClinGen allele CA3878130.

ClinVar aggregate classification (germline): Conflicting classifications of pathogenicity. Review status: criteria provided, conflicting classifications (1 of 4 stars). 6 submissions from 6 submitters: Uncertain significance (2); Benign (1); Likely benign (2). 1 of the submissions does not count toward it. Last evaluated 2026-01-27.

Conditions:
Retinitis pigmentosa 25 (RP25). Identifiers: Orphanet 791, MedGen C1864446, MONDO:0011272, OMIM 602772.
EYS-related disorder. Also called: EYS-related condition.
Retinitis pigmentosa (RP). Identifiers: Orphanet 791, MedGen C0035334, MeSH D012174, MONDO:0019200, OMIM 268000. Inheritance: Autosomal dominant, autosomal recessive and X linked inheritance.

Allele frequency attached by ClinVar (database versions not stated): gnomAD 0.00003 and 0.00008; TOPMed 0.00003; gnomAD exomes 0.00017 and 0.00039; 1000 Genomes Project 30x 0.00031; 1000 Genomes Project 0.00040; ExAC 0.00045.
gnomAD v4.1: 258 of 1,614,034 alleles (0.016%); highest among the groups gnomAD compares: South Asian, 0.26%; 5 homozygotes.

Submissions (6):

Labcorp Genetics (formerly Invitae), Labcorp
Classification: Benign. Last evaluated: 2026-01-27. Review status: criteria provided, single submitter. Criteria: Invitae Variant Classification Sherloc (09022015). Collection method: clinical testing. Allele origin: germline.

PreventionGenetics, part of Exact Sciences
Classification: Likely benign for EYS-related condition. Last evaluated: 2024-12-13. Review status: criteria provided, single submitter. Criteria: ACMG Guidelines, 2015. Collection method: clinical testing. Allele origin: germline.
Comment: This variant is classified as likely benign based on ACMG/AMP sequence variant interpretation guidelines (Richards et al. 2015 PMID: 25741868, with internal and published modifications).

Blueprint Genetics
Classification: Likely benign. Last evaluated: 2024-07-02. Review status: criteria provided, single submitter. Criteria: ACMG Guidelines, 2015. Collection method: clinical testing. Allele origin: germline.

Revvity Omics, Revvity
Classification: Uncertain significance for Retinitis pigmentosa 25. Last evaluated: 2021-01-09. Review status: criteria provided, single submitter. Criteria: ACMG Guidelines, 2015. Collection method: clinical testing. Allele origin: germline.

Illumina Laboratory Services, Illumina
Classification: Uncertain significance for Retinitis pigmentosa. Last evaluated: 2018-01-12. Review status: criteria provided, single submitter. Criteria: ICSL Variant Classification Criteria 13 December 2019. Collection method: clinical testing. Allele origin: germline.

Natera, Inc.
Classification: Likely benign for Retinitis pigmentosa type 25. Last evaluated: 2020-08-19. Review status: no assertion criteria provided. Collection method: clinical testing. Allele origin: germline. Not counted in ClinVar's aggregate classification.